The following is an entry in ClinVar:

NM_020921.4(NIN):c.2425A>G (p.Arg809Gly)

Gene: NIN (ninein; minus strand). Cytogenetic location: 14q22.1.
Variant type: single nucleotide variant.
Coding change: c.2425A>G on transcript NM_020921.4 (MANE Select); coding-DNA position 2425, A replaced by G.
Protein change: p.Arg809Gly; replaces arginine 809 with glycine.
Molecular consequence: missense variant. On other transcripts: intron variant (1).
Genome position (GRCh38, 1-based): chr14:50,758,605, T>C on the plus strand (A>G on the coding strand, the complement: NIN is on the minus strand). VCF-style: chr14-50758605-T-C. GRCh37 (hg19) VCF-style: chr14-51225323-T-C.
Other names: c.2425A>G, p.Arg809Gly (NM_182944.3, NM_182946.2); c.2399+1252A>G (NM_016350.5); short protein forms R809G.
Identifiers: ClinVar variation 2508981 (VCV002508981.5), dbSNP rs367954416, ClinGen allele CA7181932.

ClinVar aggregate classification (germline): Uncertain significance. Review status: criteria provided, multiple submitters, no conflicts (2 of 4 stars). 2 submissions from 2 submitters: Uncertain significance (2). Last evaluated 2025-11-27.

Allele frequency attached by ClinVar (database versions not stated): ExAC 0.00003; gnomAD 0.00005; ESP Exome Variant Server 0.00015; TOPMed 0.00004; gnomAD exomes 0.00006.
gnomAD v4.1: 86 of 1,572,578 alleles (0.0055%); highest among the groups gnomAD compares: Non-Finnish European, 0.0071%; no homozygotes.

Submissions (2):

Labcorp Genetics (formerly Invitae), Labcorp
Classification: Uncertain significance. Last evaluated: 2025-11-27. Review status: criteria provided, single submitter. Criteria: Invitae Variant Classification Sherloc (09022015). Collection method: clinical testing. Allele origin: germline.
Comment: This sequence change replaces arginine, which is basic and polar, with glycine, which is neutral and non-polar, at codon 809 of the NIN protein (p.Arg809Gly). This variant is present in population databases (rs367954416, gnomAD 0.007%). This variant has not been reported in the literature in individuals affected with NIN-related conditions. ClinVar contains an entry for this variant (Variation ID: 2508981). An algorithm developed to predict the effect of missense changes on protein structure and function (PolyPhen-2) suggests that this variant is likely to be disruptive. In summary, the available evidence is currently insufficient to determine the role of this variant in disease. Therefore, it has been classified as a Variant of Uncertain Significance.

Ambry Genetics
Classification: Uncertain significance. Last evaluated: 2025-07-12. Review status: criteria provided, single submitter. Criteria: Ambry Variant Classification Scheme 2023. Collection method: clinical testing. Allele origin: germline.